The following is an entry in ClinVar:

ClinVar aggregate classification (germline): Uncertain significance (1 of 4 stars; one submission).

Submission:

GeneDx
Classification: Uncertain significance. Last evaluated: 2024-09-23. Review status: criteria provided, single submitter. Criteria: GeneDx Variant Classification Process June 2021. Collection method: clinical testing. Allele origin: germline. Affected: yes.
Comment: Not observed at significant frequency in large population cohorts (gnomAD); In silico analysis supports that this missense variant has a deleterious effect on protein structure/function; Has not been previously published as pathogenic or benign to our knowledge

NM_020987.5(ANK3):c.2636A>G (p.Asp879Gly)

Gene: ANK3 (ankyrin 3; minus strand). Cytogenetic location: 10q21.2.
Variant type: single nucleotide variant.
Coding change: c.2636A>G on transcript NM_020987.5 (MANE Select); coding-DNA position 2636, A replaced by G.
Protein change: p.Asp879Gly; replaces aspartic acid 879 with glycine.
Molecular consequence: missense variant.
Genome position (GRCh38, 1-based): chr10:60,139,066, T>C on the plus strand (A>G on the coding strand, the complement: ANK3 is on the minus strand). VCF-style: chr10-60139066-T-C. GRCh37 (hg19) VCF-style: chr10-61898824-T-C.
Other names: c.38A>G, p.Asp13Gly (NM_001149.4); c.2618A>G, p.Asp873Gly (NM_001204403.2); c.2639A>G, p.Asp880Gly (NM_001204404.2); c.2636A>G, p.Asp879Gly (NM_001320874.2); short protein forms D13G, D873G, D879G, D880G.
Identifiers: ClinVar variation 3773901 (VCV003773901.1).